The following is an entry in ClinVar:

ClinVar aggregate classification (germline): Conflicting classifications of pathogenicity. Review status: criteria provided, conflicting classifications (1 of 4 stars). 2 submissions from 2 submitters: Uncertain significance (1); Likely benign (1). Last evaluated 2023-03-23.

Conditions:
Hereditary cancer-predisposing syndrome. Also called: Hereditary neoplastic syndrome; Hereditary Cancer Syndrome; Tumor predisposition; Neoplastic Syndromes, Hereditary. Identifiers: Orphanet 140162, MedGen C0027672, MeSH D009386, MONDO:0015356.

Submissions (2):

University of Washington Department of Laboratory Medicine, University of Washington
Classification: Likely benign for Hereditary cancer-predisposing syndrome. Last evaluated: 2023-03-23. Review status: criteria provided, single submitter. Criteria: Dines et al. (Genet Med. 2020). Collection method: curation. Allele origin: germline.
Comment: Missense variant in a coldspot region where missense variants are very unlikely to be pathogenic (PMID:31911673).

BRCA1 coldspot (exon 11 using historical exon numbering). Reclassification based on statistical prior probability

Quest Diagnostics Nichols Institute San Juan Capistrano
Classification: Uncertain significance. Last evaluated: 2017-06-16. Review status: criteria provided, single submitter. Criteria: Quest Diagnostics criteria. Collection method: clinical testing. Allele origin: germline.

NM_007294.4(BRCA1):c.721C>A (p.Pro241Thr)

Gene: BRCA1 (BRCA1 DNA repair associated; minus strand). Cytogenetic location: 17q21.31.
Variant type: single nucleotide variant.
Coding change: c.721C>A on transcript NM_007294.4 (MANE Select); coding-DNA position 721, C replaced by A.
Protein change: p.Pro241Thr; replaces proline 241 with threonine.
Molecular consequence: missense variant. On other transcripts: non-coding transcript variant (1).
Genome position (GRCh38, 1-based): chr17:43,094,810, G>T on the plus strand (C>A on the coding strand, the complement: BRCA1 is on the minus strand). VCF-style: chr17-43094810-G-T. GRCh37 (hg19) VCF-style: chr17-41246827-G-T.
Other names: c.718C>A, p.Pro240Thr (NM_001407627.1, NM_001407628.1, NM_001407629.1 and 38 more transcripts); c.721C>A, p.Pro241Thr (NM_001407642.1, NM_001407639.1, NM_001407640.1 and 54 more transcripts); c.712C>A, p.Pro238Thr (NM_001407646.1, NM_001407647.1, NM_001408408.1); c.598C>A, p.Pro200Thr (NM_001407648.1, NM_001407664.1, NM_001407665.1 and 34 more transcripts); c.595C>A, p.Pro199Thr (NM_001407649.1, NM_001407670.1, NM_001407671.1 and 20 more transcripts); c.643C>A, p.Pro215Thr (NM_001407653.1, NM_001407654.1, NM_001407655.1 and 9 more transcripts); c.640C>A, p.Pro214Thr (NM_001407659.1, NM_001407660.1, NM_001407661.1 and 3 more transcripts); c.580C>A, p.Pro194Thr (NM_001407692.1, NM_001407694.1, NM_001407695.1 and 43 more transcripts); and 14 more; short protein forms P241T, P194T, P153T, P170T, P174T, P199T, P215T, P238T.
Identifiers: ClinVar variation 438945 (VCV000438945.5), dbSNP rs1555593260, ClinGen allele CA10600643.